The following is an entry in ClinVar:

ClinVar aggregate classification (germline): Uncertain significance. Review status: criteria provided, multiple submitters, no conflicts (2 of 4 stars). 3 submissions from 3 submitters: Uncertain significance (3). Last evaluated 2025-11-18.

Allele frequency attached by ClinVar (database versions not stated): TOPMed 0.00013; gnomAD 0.00018; gnomAD exomes 0.00021 and 0.00030; ExAC 0.00029; ESP Exome Variant Server 0.00038.
gnomAD v4.1: 336 of 1,613,052 alleles (0.021%); highest among the groups gnomAD compares: Non-Finnish European, 0.021%; no homozygotes.

Submissions (3):

Labcorp Genetics (formerly Invitae), Labcorp
Classification: Uncertain significance. Last evaluated: 2025-11-18. Review status: criteria provided, single submitter. Criteria: Invitae Variant Classification Sherloc (09022015). Collection method: clinical testing. Allele origin: germline.
Comment: This sequence change replaces leucine, which is neutral and non-polar, with valine, which is neutral and non-polar, at codon 53 of the PIGU protein (p.Leu53Val). This variant is present in population databases (rs149679724, gnomAD 0.1%). This variant has not been reported in the literature in individuals affected with PIGU-related conditions. ClinVar contains an entry for this variant (Variation ID: 1377766). Invitae Evidence Modeling of protein sequence and biophysical properties (such as structural, functional, and spatial information, amino acid conservation, physicochemical variation, residue mobility, and thermodynamic stability) indicates that this missense variant is not expected to disrupt PIGU protein function with a negative predictive value of 80%. In summary, the available evidence is currently insufficient to determine the role of this variant in disease. Therefore, it has been classified as a Variant of Uncertain Significance.

CeGaT Center for Human Genetics Tuebingen
Classification: Uncertain significance. Last evaluated: 2023-09-01. Review status: criteria provided, single submitter. Criteria: CeGaT Center For Human Genetics Tuebingen Variant Classification Criteria Version 2. Collection method: clinical testing. Allele origin: germline. Affected: yes. Observed: 1 variant allele.

Mayo Clinic Laboratories, Mayo Clinic
Classification: Uncertain significance. Last evaluated: 2022-08-11. Review status: criteria provided, single submitter. Criteria: ACMG Guidelines, 2015. Collection method: clinical testing. Allele origin: germline. Observed: 1 variant allele.
Comment: BP4, PM2

NM_080476.5(PIGU):c.157T>G (p.Leu53Val)

Gene: PIGU (phosphatidylinositol glycan anchor biosynthesis class U; minus strand). Cytogenetic location: 20q11.22.
Variant type: single nucleotide variant.
Coding change: c.157T>G on transcript NM_080476.5 (MANE Select); coding-DNA position 157, T replaced by G.
Protein change: p.Leu53Val; replaces leucine 53 with valine.
Molecular consequence: missense variant.
Genome position (GRCh38, 1-based): chr20:34,657,218, A>C on the plus strand (T>G on the coding strand, the complement: PIGU is on the minus strand). VCF-style: chr20-34657218-A-C. GRCh37 (hg19) VCF-style: chr20-33245022-A-C.
Other names: p.Leu53Val; c.157T>G (NM_080476.4); short protein forms L53V.
Identifiers: ClinVar variation 1377766 (VCV001377766.29), dbSNP rs149679724, ClinGen allele CA9822761.